The following is an entry in ClinVar:

NM_198586.3(NHLRC1):c.470G>A (p.Gly157Glu)

Gene: NHLRC1 (NHL repeat containing E3 ubiquitin protein ligase 1; minus strand). Cytogenetic location: 6p22.3.
Variant type: single nucleotide variant.
Coding change: c.470G>A on transcript NM_198586.3 (MANE Select); coding-DNA position 470, G replaced by A.
Protein change: p.Gly157Glu; replaces glycine 157 with glutamic acid.
Molecular consequence: missense variant.
Genome position (GRCh38, 1-based): chr6:18,122,137, C>T on the plus strand (G>A on the coding strand, the complement: NHLRC1 is on the minus strand). VCF-style: chr6-18122137-C-T. GRCh37 (hg19) VCF-style: chr6-18122368-C-T.
Other names: short protein forms G157E.
Identifiers: ClinVar variation 662633 (VCV000662633.9), dbSNP rs781300542, ClinGen allele CA3649988.

ClinVar aggregate classification (germline): Uncertain significance (1 of 4 stars; one submission).

Conditions:
Lafora disease. Also called: Epilepsy progressive myoclonic 2; Progressive Myoclonus Epilepsy, Lafora Type. Identifiers: Orphanet 501, MedGen C0751783, MONDO:0009697.

Allele frequency attached by ClinVar (database versions not stated): TOPMed 0.00001.

Submission:

Labcorp Genetics (formerly Invitae), Labcorp
Classification: Uncertain significance for Lafora disease. Last evaluated: 2021-08-05. Review status: criteria provided, single submitter. Criteria: Invitae Variant Classification Sherloc (09022015). Collection method: clinical testing. Allele origin: germline.
Comment: In summary, the available evidence is currently insufficient to determine the role of this variant in disease. Therefore, it has been classified as a Variant of Uncertain Significance. Algorithms developed to predict the effect of missense changes on protein structure and function output the following: SIFT: "Tolerated"; PolyPhen-2: "Benign"; Align-GVGD: "Class C0". The glutamic acid amino acid residue is found in multiple mammalian species, suggesting that this missense change does not adversely affect protein function. These predictions have not been confirmed by published functional studies and their clinical significance is uncertain. This variant has not been reported in the literature in individuals with NHLRC1-related disease. This variant is present in population databases (rs781300542, ExAC 0.02%). This sequence change replaces glycine with glutamic acid at codon 157 of the NHLRC1 protein (p.Gly157Glu). The glycine residue is highly conserved and there is a moderate physicochemical difference between glycine and glutamic acid.